The following is an entry in ClinVar:

ClinVar aggregate classification (germline): Uncertain significance (1 of 4 stars; one submission).

Submission:

GeneDx
Classification: Uncertain significance. Last evaluated: 2022-01-18. Review status: criteria provided, single submitter. Criteria: GeneDx Variant Classification Process June 2021. Collection method: clinical testing. Allele origin: germline. Affected: yes.
Comment: Not observed at significant frequency in large population cohorts (gnomAD); In silico analysis, which includes protein predictors and evolutionary conservation, supports that this variant does not alter protein structure/function; Has not been previously published as pathogenic or benign to our knowledge

NM_006734.4(HIVEP2):c.3463C>G (p.Gln1155Glu)

Gene: HIVEP2 (HIVEP zinc finger 2; minus strand). Cytogenetic location: 6q24.2.
Variant type: single nucleotide variant.
Coding change: c.3463C>G on transcript NM_006734.4 (MANE Select); coding-DNA position 3463, C replaced by G.
Protein change: p.Gln1155Glu; replaces glutamine 1155 with glutamic acid.
Molecular consequence: missense variant.
Genome position (GRCh38, 1-based): chr6:142,771,276, G>C on the plus strand (C>G on the coding strand, the complement: HIVEP2 is on the minus strand). VCF-style: chr6-142771276-G-C. GRCh37 (hg19) VCF-style: chr6-143092413-G-C.
Other names: short protein forms Q1155E.
Identifiers: ClinVar variation 1307535 (VCV001307535.3), dbSNP rs777959498, ClinGen allele CA365904005.
Genomic context (GRCh38, chr6:142,771,276, plus strand): 5'-TTGGTTGGATCAAGGGATTTCTCAAAGATTCCTGACTGTCCATGTGCATGATCTGTGGCT[G>C]GGCCAGGTGCAGTGGCCCCGAGCTCAGCGGGGGACAAGGACCCGCCACCTGCTTCCCTGG-3'
Protein context (NP_006725.3, residues 1145-1165): PLSSGPLHLA[Gln1155Glu]PQIMHMDSQE